The following is an entry in ClinVar:

NM_001165963.4(SCN1A):c.2416-72G>A

Gene: SCN1A (sodium voltage-gated channel alpha subunit 1; minus strand). Cytogenetic location: 2q24.3.
Variant type: single nucleotide variant.
Coding change: c.2416-72G>A on transcript NM_001165963.4 (MANE Select); 72 bases into the intron before coding-DNA position 2416, G replaced by A.
Molecular consequence: intron variant.
Genome position (GRCh38, 1-based): chr2:166,039,668, C>T on the plus strand (G>A on the coding strand, the complement: SCN1A is on the minus strand). VCF-style: chr2-166039668-C-T. GRCh37 (hg19) VCF-style: chr2-166896178-C-T.
Other names: c.2383-72G>A (NM_001353949.2, NM_001353950.2, NM_001353951.2 and 2 more transcripts); c.2332-72G>A (NM_001353958.2, NM_001353957.2, NM_001165964.3); c.2416-72G>A (NM_001202435.3, NM_001353948.2); c.2380-72G>A (NM_001353955.2, NM_001353954.2); c.2329-72G>A (NM_001353960.2); c.-27-72G>A (NM_001353961.2).
Identifiers: ClinVar variation 3256826 (VCV003256826.2).

ClinVar aggregate classification (germline): Benign (1 of 4 stars; one submission).

gnomAD v4.1: 340,496 of 1,341,646 alleles (25%); highest among the groups gnomAD compares: Middle Eastern, 38%; 45,436 homozygotes.

Submission:

Unidad de Genómica Garrahan, Hospital de Pediatría Garrahan
Classification: Benign. Last evaluated: 2024-07-31. Review status: criteria provided, single submitter. Criteria: ACMG Guidelines, 2015. Collection method: clinical testing. Allele origin: germline. Affected: no. Observed: 24 variant alleles.
Comment: This variant is classified as Benign based on local population frequency. This variant was detected in 26% of patients studied in a panel designed for Epileptic and Developmental Encephalopathy, Progressive Myoclonus Epilepsy and Abnormal Movements and Neurodegeneration with brain iron accumulation. Number of patients: 24. Only high quality variants are reported.